The following is an entry in ClinVar:

NM_004006.3(DMD):c.5134C>T (p.Gln1712Ter)

Gene: DMD (dystrophin; minus strand). Cytogenetic location: Xp21.1.
Variant type: single nucleotide variant.
Coding change: c.5134C>T on transcript NM_004006.3 (MANE Select); coding-DNA position 5134, C replaced by T.
Protein change: p.Gln1712Ter; replaces glutamine 1712 with a stop codon.
Molecular consequence: nonsense.
Genome position (GRCh38, 1-based): chrX:32,364,602, G>A on the plus strand (C>T on the coding strand, the complement: DMD is on the minus strand). VCF-style: chrX-32364602-G-A. GRCh37 (hg19) VCF-style: chrX-32382719-G-A.
Other names: c.5110C>T, p.Gln1704Ter (NM_000109.4); c.5122C>T, p.Gln1708Ter (NM_004009.3); c.4765C>T, p.Gln1589Ter (NM_004010.3); c.1111C>T, p.Gln371Ter (NM_004011.4); c.1102C>T, p.Gln368Ter (NM_004012.4); short protein forms Q1712*, Q368*, Q1708*, Q1589*, Q1704*, Q371*.
Identifiers: ClinVar variation 94654 (VCV000094654.2), dbSNP rs398123980, ClinGen allele CA267052.

ClinVar aggregate classification (germline): Pathogenic (1 of 4 stars; one submission).

Conditions:
Duchenne muscular dystrophy (DMD). Also called: Duchenne Muscular Dystrophy (DMD); MUSCULAR DYSTROPHY, PSEUDOHYPERTROPHIC PROGRESSIVE, DUCHENNE TYPE. Identifiers: Orphanet 98896, MedGen C0013264, MONDO:0010679, OMIM 310200.

Submission:

Institute of Human Genetics, University of Leipzig Medical Center
Classification: Pathogenic for Duchenne muscular dystrophy. Last evaluated: 2019-11-27. Review status: criteria provided, single submitter. Criteria: ACMG Guidelines, 2015. Collection method: clinical testing. Allele origin: germline. Affected: yes. Observed: 1 variant allele.
Comment: This variant was identified as hemizygous